The following is an entry in ClinVar:

NM_153717.3(EVC):c.617+2T>A

Gene: EVC (EvC ciliary complex subunit 1; plus strand). Cytogenetic location: 4p16.2.
Variant type: single nucleotide variant.
Coding change: c.617+2T>A on transcript NM_153717.3 (MANE Select); the canonical splice donor site of the intron after coding-DNA position 617, T replaced by A.
Molecular consequence: splice donor variant.
Genome position (GRCh38, 1-based): chr4:5,731,659, T>A. VCF-style: chr4-5731659-T-A. GRCh37 (hg19) VCF-style: chr4-5733386-T-A.
Other names: c.617+2T>A (NM_001306090.2, NM_001306092.2).
Identifiers: ClinVar variation 2113589 (VCV002113589.4), dbSNP rs2474673801, ClinGen allele CA356143507.
Genomic context (GRCh38, chr4:5,731,659, plus strand): 5'-TTTCTCAGCCGCACCTTCCTCCGGGTGAACGCCTTCCCTGAAGTGCTGGCCTGCGAGAGG[T>A]AAGGAGAGCGGGCAATGGAGGATGAGGCTTCCAGTCCTCTTGGAGTGGGCCGGGAGTCAC-3'

ClinVar aggregate classification (germline): Likely pathogenic (1 of 4 stars; one submission).

Conditions:
Ellis-van Creveld syndrome (EVC). Also called: EVC-Related Ellis-van Creveld Syndrome; EVC2-Related Ellis-van Creveld Syndrome; MESOECTODERMAL DYSPLASIA; Chondroectodermal dysplasia. Identifiers: Orphanet 289, MedGen C0013903, MONDO:0009162, OMIM 225500.
Curry-Hall syndrome (WAD). Also called: WEYERS ACRODENTAL DYSOSTOSIS. Identifiers: Orphanet 952, MedGen C0457013, MONDO:0008673, OMIM 193530.

Allele frequency attached by ClinVar (database versions not stated): gnomAD exomes below 0.00001.
gnomAD v4.1: 1 of 1,613,124 alleles (0.000062%); highest among the groups gnomAD compares: Non-Finnish European, 0.000085%; no homozygotes.

Submission:

Labcorp Genetics (formerly Invitae), Labcorp
Classification: Likely pathogenic for Curry-Hall syndrome; Ellis-van Creveld syndrome. Last evaluated: 2022-03-18. Review status: criteria provided, single submitter. Criteria: Invitae Variant Classification Sherloc (09022015). Collection method: clinical testing. Allele origin: germline.
Comment: This sequence change affects a donor splice site in intron 4 of the EVC gene. It is expected to disrupt RNA splicing. Variants that disrupt the donor or acceptor splice site typically lead to a loss of protein function (PMID: 16199547), and loss-of-function variants in EVC are known to be pathogenic (PMID: 23220543). This variant is not present in population databases (gnomAD no frequency). This variant has not been reported in the literature in individuals affected with EVC-related conditions. Algorithms developed to predict the effect of sequence changes on RNA splicing suggest that this variant may disrupt the consensus splice site. In summary, the currently available evidence indicates that the variant is pathogenic, but additional data are needed to prove that conclusively. Therefore, this variant has been classified as Likely Pathogenic.

Literature cited by the submitters: PubMed 16199547; PubMed 23220543.